The following is an entry in ClinVar:

NM_001127208.3(TET2):c.790A>C (p.Ile264Leu)

Genes: TET2 (tet methylcytosine dioxygenase 2; plus strand), TET2-AS1 (TET2 antisense RNA 1; minus strand). Cytogenetic location: 4q24.
Variant type: single nucleotide variant.
Coding change: c.790A>C on transcript NM_001127208.3 (MANE Select); coding-DNA position 790, A replaced by C.
Protein change: p.Ile264Leu; replaces isoleucine 264 with leucine.
Molecular consequence: missense variant.
Genome position (GRCh38, 1-based): chr4:105,234,732, A>C. VCF-style: chr4-105234732-A-C. GRCh37 (hg19) VCF-style: chr4-106155889-A-C.
Other names: c.790A>C, p.Ile264Leu (NM_017628.4); short protein forms I264L.
Identifiers: ClinVar variation 5030726 (VCV005030726.1).

ClinVar aggregate classification (germline): Uncertain significance (1 of 4 stars; one submission).

Submission:

Ambry Genetics
Classification: Uncertain significance. Last evaluated: 2026-07-30. Review status: criteria provided, single submitter. Criteria: Ambry Variant Classification Scheme 2023. Collection method: clinical testing. Allele origin: germline.
Comment: The p.I264L variant (also known as c.790A>C), located in coding exon 1 of the TET2 gene, results from an A to C substitution at nucleotide position 790. The isoleucine at codon 264 is replaced by leucine, an amino acid with highly similar properties. This amino acid position is conserved. In addition, this alteration is predicted to be tolerated by in silico analysis. Based on the available evidence, the clinical significance of this variant remains unclear.